The following is an entry in ClinVar:

NM_006567.5(FARS2):c.538C>T (p.Arg180Cys)

Genes: FARS2 (phenylalanyl-tRNA synthetase 2, mitochondrial; plus strand), LOC126859565 (CDK7 strongly-dependent group 2 enhancer GRCh37_chr6:5368745-5369944; plus strand). Cytogenetic location: 6p25.1.
Variant type: single nucleotide variant.
Coding change: c.538C>T on transcript NM_006567.5 (MANE Select); coding-DNA position 538, C replaced by T.
Protein change: p.Arg180Cys; replaces arginine 180 with cysteine.
Molecular consequence: missense variant. On other transcripts: intron variant (2).
Genome position (GRCh38, 1-based): chr6:5,369,108, C>T. VCF-style: chr6-5369108-C-T. GRCh37 (hg19) VCF-style: chr6-5369341-C-T.
Other names: c.538C>T, p.Arg180Cys (NM_001318872.2, NM_001374875.1, NM_001374876.1 and 5 more transcripts); c.-340-27525C>T (NM_001375260.1); c.-84-35434C>T (NM_001375259.1); short protein forms R180C.
Identifiers: ClinVar variation 4070666 (VCV004070666.4).

ClinVar aggregate classification (germline): Uncertain significance. Review status: criteria provided, multiple submitters, no conflicts (2 of 4 stars). 3 submissions from 3 submitters: Uncertain significance (3). Last evaluated 2026-09-22.

Conditions:
Combined oxidative phosphorylation defect type 14. Also called: Combined oxidative phosphorylation deficiency 14. Identifiers: Orphanet 319519, MedGen C4755312, MONDO:0013986, OMIM 614946.
Inborn genetic diseases. Identifiers: MedGen C0950123, MeSH D030342.

gnomAD v4.1: 15 of 1,613,490 alleles (0.00093%); highest among the groups gnomAD compares: Non-Finnish European, 0.0011%; no homozygotes.

Submissions (3):

GeneDx
Classification: Uncertain significance. Last evaluated: 2026-09-22. Review status: criteria provided, single submitter. Criteria: GeneDx Variant Classification Process June 2021. Collection method: clinical testing. Allele origin: germline.
Comment: Not observed at significant frequency in large population cohorts (gnomAD); In silico analysis supports that this missense variant has a deleterious effect on protein structure/function; Has not been previously published as pathogenic or benign to our knowledge

Ambry Genetics
Classification: Uncertain significance for Inborn genetic diseases. Last evaluated: 2025-11-12. Review status: criteria provided, single submitter. Criteria: Ambry Variant Classification Scheme 2023. Collection method: clinical testing. Allele origin: germline.

Labcorp Genetics (formerly Invitae), Labcorp
Classification: Uncertain significance for Combined oxidative phosphorylation defect type 14. Last evaluated: 2025-10-11. Review status: criteria provided, single submitter. Criteria: Invitae Variant Classification Sherloc (09022015). Collection method: clinical testing. Allele origin: germline.
Comment: This sequence change replaces arginine, which is basic and polar, with cysteine, which is neutral and slightly polar, at codon 180 of the FARS2 protein (p.Arg180Cys). This variant is present in population databases (no rsID available, gnomAD 0.003%). This variant has not been reported in the literature in individuals affected with FARS2-related conditions. ClinVar contains an entry for this variant (Variation ID: 4070666). Invitae Evidence Modeling of protein sequence and biophysical properties (such as structural, functional, and spatial information, amino acid conservation, physicochemical variation, residue mobility, and thermodynamic stability) indicates that this missense variant is expected to disrupt FARS2 protein function with a positive predictive value of 95%. In summary, the available evidence is currently insufficient to determine the role of this variant in disease. Therefore, it has been classified as a Variant of Uncertain Significance.